The following is an entry in ClinVar:

NM_005732.4(RAD50):c.1769C>G (p.Thr590Ser)

Gene: RAD50 (RAD50 double strand break repair protein; plus strand). Cytogenetic location: 5q31.1.
Variant type: single nucleotide variant.
Coding change: c.1769C>G on transcript NM_005732.4 (MANE Select); coding-DNA position 1769, C replaced by G.
Protein change: p.Thr590Ser; replaces threonine 590 with serine.
Molecular consequence: missense variant.
Genome position (GRCh38, 1-based): chr5:132,592,010, C>G. VCF-style: chr5-132592010-C-G. GRCh37 (hg19) VCF-style: chr5-131927702-C-G.
Other names: short protein forms T590S.
Identifiers: ClinVar variation 187651 (VCV000187651.14), dbSNP rs786203895, ClinGen allele CA198195.

ClinVar aggregate classification (germline): Uncertain significance. Review status: criteria provided, multiple submitters, no conflicts (2 of 4 stars). 3 submissions from 3 submitters: Uncertain significance (3). Last evaluated 2025-07-31.

Conditions:
Hereditary cancer-predisposing syndrome. Also called: Neoplastic Syndromes, Hereditary; Tumor predisposition; Hereditary Cancer Syndrome; Hereditary neoplastic syndrome. Identifiers: Orphanet 140162, MedGen C0027672, MeSH D009386, MONDO:0015356.
Nijmegen breakage syndrome-like disorder (NBSLD). Also called: MICROCEPHALY AND SPONTANEOUS CHROMOSOME INSTABILITY WITHOUT IMMUNODEFICIENCY; NBS-LIKE DISORDER; RAD50 DEFICIENCY. Identifiers: Orphanet 240760, MedGen C2751318, MONDO:0013118, OMIM 613078.

Allele frequency attached by ClinVar (database versions not stated): gnomAD exomes below 0.00001; TOPMed below 0.00001.
gnomAD v4.1: 2 of 1,612,884 alleles (0.00012%); highest among the groups gnomAD compares: Non-Finnish European, 0.00017%; no homozygotes.

Submissions (3):

Labcorp Genetics (formerly Invitae), Labcorp
Classification: Uncertain significance for Hereditary cancer-predisposing syndrome. Last evaluated: 2025-07-31. Review status: criteria provided, single submitter. Criteria: Invitae Variant Classification Sherloc (09022015). Collection method: clinical testing. Allele origin: germline.
Comment: This sequence change replaces threonine, which is neutral and polar, with serine, which is neutral and polar, at codon 590 of the RAD50 protein (p.Thr590Ser). This variant is present in population databases (rs786203895, gnomAD 0.0009%). This variant has not been reported in the literature in individuals affected with RAD50-related conditions. ClinVar contains an entry for this variant (Variation ID: 187651). Invitae Evidence Modeling of protein sequence and biophysical properties (such as structural, functional, and spatial information, amino acid conservation, physicochemical variation, residue mobility, and thermodynamic stability) indicates that this missense variant is not expected to disrupt RAD50 protein function with a negative predictive value of 80%. In summary, the available evidence is currently insufficient to determine the role of this variant in disease. Therefore, it has been classified as a Variant of Uncertain Significance.

Baylor Genetics
Classification: Uncertain significance for Nijmegen breakage syndrome-like disorder. Last evaluated: 2023-12-27. Review status: criteria provided, single submitter. Criteria: ACMG Guidelines, 2015. Collection method: clinical testing. Allele origin: unknown.

Ambry Genetics
Classification: Uncertain significance for Hereditary cancer-predisposing syndrome. Last evaluated: 2023-11-16. Review status: criteria provided, single submitter. Criteria: Ambry Variant Classification Scheme 2023. Collection method: clinical testing. Allele origin: germline.
Comment: The p.T590S variant (also known as c.1769C>G), located in coding exon 11 of the RAD50 gene, results from a C to G substitution at nucleotide position 1769. The threonine at codon 590 is replaced by serine, an amino acid with similar properties. This amino acid position is highly conserved in available vertebrate species. In addition, this alteration is predicted to be tolerated by in silico analysis. Since supporting evidence is limited at this time, the clinical significance of this alteration remains unclear.